The following is an entry in ClinVar:

ClinVar aggregate classification (germline): Uncertain significance (1 of 4 stars; one submission).

Conditions:
DYNC1H1-related disorder. Also called: DYNC1H1-related condition; DYNC1H1-related disorders. Identifiers: MedGen CN381529.

Allele frequency attached by ClinVar (database versions not stated): gnomAD exomes below 0.00001; TOPMed 0.00001.
gnomAD v4.1: 5 of 1,614,146 alleles (0.00031%); highest among the groups gnomAD compares: East Asian, 0.0045%; no homozygotes.

Submission:

PreventionGenetics, part of Exact Sciences
Classification: Uncertain significance for DYNC1H1-related condition. Last evaluated: 2023-05-25. Review status: criteria provided, single submitter. Criteria: ACMG Guidelines, 2015. Collection method: clinical testing. Allele origin: germline.
Comment: The DYNC1H1 c.3994G>A variant is predicted to result in the amino acid substitution p.Val1332Ile. This variant has been reported as a de novo variant studies of individuals with developmental disorders (Supplemental Table 2, Kosmicki et al. 2017. PubMed ID: 28191890; Supplementary Table 1, McRae et al. 2017. PubMed ID: 28135719; Table S2, Turner et al. 2019. PubMed ID: 31785789). This variant is reported in 0.0054% of alleles in individuals of East Asian descent in gnomAD. At this time, the clinical significance of this variant is uncertain due to the absence of conclusive functional and genetic evidence.

NM_001376.5(DYNC1H1):c.3994G>A (p.Val1332Ile)

Gene: DYNC1H1 (dynein cytoplasmic 1 heavy chain 1; plus strand). Cytogenetic location: 14q32.31.
Variant type: single nucleotide variant.
Coding change: c.3994G>A on transcript NM_001376.5 (MANE Select); coding-DNA position 3994, G replaced by A.
Protein change: p.Val1332Ile; replaces valine 1332 with isoleucine.
Molecular consequence: missense variant.
Genome position (GRCh38, 1-based): chr14:102,000,319, G>A. VCF-style: chr14-102000319-G-A. GRCh37 (hg19) VCF-style: chr14-102466656-G-A.
Other names: short protein forms V1332I.
Identifiers: ClinVar variation 2633307 (VCV002633307.1), dbSNP rs1567005720, ClinGen allele CA391039174.